The following is an entry in ClinVar:

ClinVar aggregate classification (germline): Benign/Likely benign. Review status: criteria provided, multiple submitters, no conflicts (2 of 4 stars). 4 submissions from 4 submitters: Benign (1); Likely benign (3). Last evaluated 2025-10-12.

Conditions:
Hereditary cancer-predisposing syndrome. Also called: Neoplastic Syndromes, Hereditary; Tumor predisposition; Hereditary neoplastic syndrome; Hereditary Cancer Syndrome. Identifiers: Orphanet 140162, MedGen C0027672, MeSH D009386, MONDO:0015356.
Melanoma, cutaneous malignant, susceptibility to, 3. Also called: Cutaneous malignant melanoma 3. Identifiers: Orphanet 618, MedGen C1836892, MONDO:0012183, OMIM 609048.
Familial melanoma. Also called: Hereditary melanoma; Hereditary cutaneous melanoma. Identifiers: Orphanet 618, MedGen C1512419, MONDO:0018961.

Allele frequency attached by ClinVar (database versions not stated): gnomAD 0.00001.

Submissions (4):

Labcorp Genetics (formerly Invitae), Labcorp
Classification: Likely benign for Familial melanoma. Last evaluated: 2025-10-12. Review status: criteria provided, single submitter. Criteria: Invitae Variant Classification Sherloc (09022015). Collection method: clinical testing. Allele origin: germline.

Myriad Genetics, Inc.
Classification: Benign for Melanoma, cutaneous malignant, susceptibility to, 3. Last evaluated: 2024-09-25. Review status: criteria provided, single submitter. Criteria: Myriad Autosomal Dominant, Autosomal Recessive and X-Linked Classification Criteria (2023). Collection method: clinical testing. Allele origin: unknown.
Comment: This variant is considered benign. This variant is a silent/synonymous amino acid change and it is not expected to impact splicing.

Quest Diagnostics Nichols Institute San Juan Capistrano
Classification: Likely benign. Last evaluated: 2022-12-13. Review status: criteria provided, single submitter. Criteria: Quest Diagnostics criteria. Collection method: clinical testing. Allele origin: unknown.

Ambry Genetics
Classification: Likely benign for Hereditary cancer-predisposing syndrome. Last evaluated: 2018-07-13. Review status: criteria provided, single submitter. Criteria: Ambry Variant Classification Scheme 2023. Collection method: clinical testing. Allele origin: germline.

NM_000075.4(CDK4):c.486C>G (p.Ala162=)

Gene: CDK4 (cyclin dependent kinase 4; minus strand). Cytogenetic location: 12q14.1.
Variant type: single nucleotide variant.
Coding change: c.486C>G on transcript NM_000075.4 (MANE Select); coding-DNA position 486, C replaced by G.
Protein change: p.Ala162=; no amino-acid change (alanine 162 retained).
Molecular consequence: synonymous variant.
Genome position (GRCh38, 1-based): chr12:57,750,959, G>C on the plus strand (C>G on the coding strand, the complement: CDK4 is on the minus strand). VCF-style: chr12-57750959-G-C. GRCh37 (hg19) VCF-style: chr12-58144742-G-C.
Identifiers: ClinVar variation 825243 (VCV000825243.15), dbSNP rs1595110441, ClinGen allele CA480404402.